The following is an entry in ClinVar:

ClinVar aggregate classification (germline): Uncertain significance (1 of 4 stars; one submission).

Conditions:
Charcot-Marie-Tooth disease, type I (CMT1). Also called: Charcot-Marie-Tooth disease type 1; Charcot-Marie-Tooth, Type 1. Identifiers: Orphanet 65753, MedGen C0751036, MONDO:0019011.

Allele frequency attached by ClinVar (database versions not stated): gnomAD exomes 0.00001.
gnomAD v4.1: 8 of 1,613,404 alleles (0.0005%); highest among the groups gnomAD compares: Non-Finnish European, 0.00068%; no homozygotes.

Submission:

Labcorp Genetics (formerly Invitae), Labcorp
Classification: Uncertain significance for Charcot-Marie-Tooth disease, type I. Last evaluated: 2022-10-25. Review status: criteria provided, single submitter. Criteria: Invitae Variant Classification Sherloc (09022015). Collection method: clinical testing. Allele origin: germline.
Comment: This variant has not been reported in the literature in individuals affected with EGR2-related conditions. ClinVar contains an entry for this variant (Variation ID: 952751). Advanced modeling of protein sequence and biophysical properties (such as structural, functional, and spatial information, amino acid conservation, physicochemical variation, residue mobility, and thermodynamic stability) performed at Invitae indicates that this missense variant is expected to disrupt EGR2 protein function. In summary, the available evidence is currently insufficient to determine the role of this variant in disease. Therefore, it has been classified as a Variant of Uncertain Significance. This variant is not present in population databases (gnomAD no frequency). This sequence change replaces arginine, which is basic and polar, with proline, which is neutral and non-polar, at codon 318 of the EGR2 protein (p.Arg318Pro).

NM_000399.5(EGR2):c.953G>C (p.Arg318Pro)

Gene: EGR2 (early growth response 2; minus strand). Cytogenetic location: 10q21.3.
Variant type: single nucleotide variant.
Coding change: c.953G>C on transcript NM_000399.5 (MANE Select); coding-DNA position 953, G replaced by C.
Protein change: p.Arg318Pro; replaces arginine 318 with proline.
Molecular consequence: missense variant.
Genome position (GRCh38, 1-based): chr10:62,813,685, C>G on the plus strand (G>C on the coding strand, the complement: EGR2 is on the minus strand). VCF-style: chr10-62813685-C-G. GRCh37 (hg19) VCF-style: chr10-64573445-C-G.
Other names: c.953G>C, p.Arg318Pro (NM_001136177.3, NM_001136178.2); c.803G>C, p.Arg268Pro (NM_001136179.3, NM_001321037.2); short protein forms R268P, R318P.
Identifiers: ClinVar variation 952751 (VCV000952751.9), dbSNP rs775751575, ClinGen allele CA377028294.